The following is an entry in ClinVar:

ClinVar aggregate classification (germline): Likely benign (1 of 4 stars; one submission).

Conditions:
Familial cancer of breast. Also called: BREAST CANCER, FAMILIAL; Hereditary breast cancer; hereditary breast carcinoma. Identifiers: Orphanet 227535, MedGen C0346153, MONDO:0016419, OMIM 114480. Disease mechanism: loss of function.

Submission:

Myriad Genetics, Inc.
Classification: Likely benign for Familial cancer of breast. Last evaluated: 2024-04-24. Review status: criteria provided, single submitter. Criteria: Myriad Autosomal Dominant, Autosomal Recessive and X-Linked Classification Criteria (2023). Collection method: clinical testing. Allele origin: unknown.
Comment: This variant is considered likely benign. This variant is intronic and is not expected to impact mRNA splicing.

NM_000051.4(ATM):c.1066-18T>C

Gene: ATM (ATM serine/threonine kinase; plus strand). Cytogenetic location: 11q22.3.
Variant type: single nucleotide variant.
Coding change: c.1066-18T>C on transcript NM_000051.4 (MANE Select); 18 bases into the intron before coding-DNA position 1066, T replaced by C.
Molecular consequence: intron variant.
Genome position (GRCh38, 1-based): chr11:108,248,915, T>C. VCF-style: chr11-108248915-T-C. GRCh37 (hg19) VCF-style: chr11-108119642-T-C.
Other names: c.1066-18T>C (NM_001351834.2).
Identifiers: ClinVar variation 3254173 (VCV003254173.1), dbSNP rs2135289351.